The following is an entry in ClinVar:

NM_000540.3(RYR1):c.3049A>C (p.Asn1017His)

Gene: RYR1 (ryanodine receptor 1; plus strand). Cytogenetic location: 19q13.2.
Variant type: single nucleotide variant.
Coding change: c.3049A>C on transcript NM_000540.3 (MANE Select); coding-DNA position 3049, A replaced by C.
Protein change: p.Asn1017His; replaces asparagine 1017 with histidine.
Molecular consequence: missense variant.
Genome position (GRCh38, 1-based): chr19:38,466,269, A>C. VCF-style: chr19-38466269-A-C. GRCh37 (hg19) VCF-style: chr19-38956909-A-C.
Other names: c.3049A>C, p.Asn1017His (NM_001042723.2); short protein forms N1017H.
Identifiers: ClinVar variation 1423506 (VCV001423506.4), dbSNP rs2145447118, ClinGen allele CA405635251.
Genomic context (GRCh38, chr19:38,466,269, plus strand): 5'-CGAGACCGCGTGGGCCAGGGCTGGAGCTACAGCGCAGTGCAGGACATCCCAGCGCGCCGA[A>C]ACCCTCGGCTGGTGCCCTACCGCCTGCTGGATGAAGCCACCAAGCGCAGCAACCGGGACA-3'
Protein context (NP_000531.2, residues 1007-1027): SAVQDIPARR[Asn1017His]PRLVPYRLLD

ClinVar aggregate classification (germline): Uncertain significance. Review status: criteria provided, multiple submitters, no conflicts (2 of 4 stars). 2 submissions from 2 submitters: Uncertain significance (2). Last evaluated 2023-08-28.

Conditions:
RYR1-related disorder. Also called: RYR1-related disorders; RYR1-related condition. Identifiers: MedGen CN239331.
Malignant hyperthermia, susceptibility to, 1 (MHS1). Also called: Anesthesia related hyperthermia; Malignant hyperpyrexia; Fulminating hyperpyrexia; Pharmacogenic myopathy; Malignant hyperthermia suceptibility 1; RYR1-Related Malignant Hyperthermia Susceptibility. Identifiers: Orphanet 423, MedGen C2930980, MONDO:0007783, OMIM 145600.

Submissions (2):

All of Us Research Program, National Institutes of Health
Classification: Uncertain significance for Malignant hyperthermia, susceptibility to, 1. Last evaluated: 2023-08-28. Review status: criteria provided, single submitter. Criteria: ACMG Guidelines, 2015. Collection method: clinical testing. Allele origin: germline. Inheritance: Autosomal dominant inheritance. Observed: 1 variant allele, 1 heterozygote.
Comment: This missense variant replaces asparagine with histidine at codon 1017 of the RYR1 protein. Computational prediction is inconclusive regarding the impact of this variant on protein structure and function (internally defined REVEL score threshold 0.5 < inconclusive < 0.7, PMID: 27666373). To our knowledge, functional studies have not been reported for this variant. This variant has not been reported in individuals affected with RYR1-related disorders in the literature. This variant has not been identified in the general population by the Genome Aggregation Database (gnomAD). The available evidence is insufficient to determine the role of this variant in disease conclusively. Therefore, this variant is classified as a Variant of Uncertain Significance.

This study involves interpretation of variants in research participants for the purpose of population health screening. Participant phenotype was not available at the time of variant classification. Additional details can be found in publication PMID: 35346344, PMCID: PMC8962531

Labcorp Genetics (formerly Invitae), Labcorp
Classification: Uncertain significance for RYR1-related disorder. Last evaluated: 2022-10-01. Review status: criteria provided, single submitter. Criteria: Invitae Variant Classification Sherloc (09022015). Collection method: clinical testing. Allele origin: germline.
Comment: This sequence change replaces asparagine, which is neutral and polar, with histidine, which is basic and polar, at codon 1017 of the RYR1 protein (p.Asn1017His). This variant is not present in population databases (gnomAD no frequency). This variant has not been reported in the literature in individuals affected with RYR1-related conditions. ClinVar contains an entry for this variant (Variation ID: 1423506). Advanced modeling of protein sequence and biophysical properties (such as structural, functional, and spatial information, amino acid conservation, physicochemical variation, residue mobility, and thermodynamic stability) performed at Invitae indicates that this missense variant is not expected to disrupt RYR1 protein function. In summary, the available evidence is currently insufficient to determine the role of this variant in disease. Therefore, it has been classified as a Variant of Uncertain Significance.